The following is an entry in ClinVar:

ClinVar aggregate classification (germline): Uncertain significance. Review status: criteria provided, multiple submitters, no conflicts (2 of 4 stars). 3 submissions from 3 submitters: Uncertain significance (3). Last evaluated 2023-12-19.

Conditions:
Pigmentary pallidal degeneration (NBIA1). Also called: HARP SYNDROME; Neuroaxonal dystrophy, late infantile; Hallervorden-Spatz disease; Neurodegeneration with brain iron accumulation 1; PKAN NEUROAXONAL DYSTROPHY, JUVENILE-ONSET; Pantothenate Kinase-Associated Neurodegeneration. Identifiers: Orphanet 157850, MedGen C0018523, MONDO:0009319, OMIM 234200.
Inborn genetic diseases. Identifiers: MedGen C0950123, MeSH D030342.

Allele frequency attached by ClinVar (database versions not stated): gnomAD 0.00001; TOPMed 0.00001; ExAC 0.00004.
gnomAD v4.1: 19 of 1,561,380 alleles (0.0012%); highest among the groups gnomAD compares: East Asian, 0.0047%; no homozygotes.

Submissions (3):

Ambry Genetics
Classification: Uncertain significance for Inborn genetic diseases. Last evaluated: 2023-12-19. Review status: criteria provided, single submitter. Criteria: Ambry Variant Classification Scheme 2023. Collection method: clinical testing. Allele origin: germline.

Labcorp Genetics (formerly Invitae), Labcorp
Classification: Uncertain significance for Pigmentary pallidal degeneration. Last evaluated: 2021-08-26. Review status: criteria provided, single submitter. Criteria: Invitae Variant Classification Sherloc (09022015). Collection method: clinical testing. Allele origin: germline.
Comment: This sequence change replaces glycine with glutamic acid at codon 112 of the PANK2 protein (p.Gly112Glu). The glycine residue is weakly conserved and there is a moderate physicochemical difference between glycine and glutamic acid. This variant is present in population databases (rs774558831, ExAC 0.06%). This variant has not been reported in the literature in individuals affected with PANK2-related conditions. Algorithms developed to predict the effect of missense changes on protein structure and function are either unavailable or do not agree on the potential impact of this missense change (SIFT: "Deleterious"; PolyPhen-2: "Benign"; Align-GVGD: "Class C0"). In summary, the available evidence is currently insufficient to determine the role of this variant in disease. Therefore, it has been classified as a Variant of Uncertain Significance.

GeneDx
Classification: Uncertain significance. Last evaluated: 2021-07-21. Review status: criteria provided, single submitter. Criteria: GeneDx Variant Classification Process June 2021. Collection method: clinical testing. Allele origin: germline. Affected: yes.
Comment: Not observed at significant frequency in large population cohorts (Lek et al., 2016); In silico analysis, which includes protein predictors and evolutionary conservation, supports that this variant does not alter protein structure/function; Has not been previously published as pathogenic or benign to our knowledge; This variant is associated with the following publications: (PMID: 27535533)

NM_001386393.1(PANK2):c.5G>A (p.Gly2Glu)

Genes: PANK2 (pantothenate kinase 2; plus strand), LOC130065345 (ATAC-STARR-seq lymphoblastoid silent region 12635; plus strand). Cytogenetic location: 20p13.
Variant type: single nucleotide variant.
Coding change: c.5G>A on transcript NM_001386393.1 (MANE Select); coding-DNA position 5, G replaced by A.
Protein change: p.Gly2Glu; replaces glycine 2 with glutamic acid.
Molecular consequence: missense variant. On other transcripts: 5 prime UTR variant (1), non-coding transcript variant (1), intron variant (1).
Genome position (GRCh38, 1-based): chr20:3,889,435, G>A. VCF-style: chr20-3889435-G-A. GRCh37 (hg19) VCF-style: chr20-3870082-G-A.
Other names: c.-707G>A (NM_001324191.2); c.335G>A, p.Gly112Glu (NM_001324192.1, NM_153638.4); c.-246+531G>A (NM_024960.6); short protein forms G112E, G2E.
Identifiers: ClinVar variation 1254219 (VCV001254219.8), dbSNP rs774558831, ClinGen allele CA9750552.